The following is an entry in ClinVar:

NM_001042492.3(NF1):c.4974T>C (p.Phe1658=)

Gene: NF1 (neurofibromin 1; plus strand). Cytogenetic location: 17q11.2.
Variant type: single nucleotide variant.
Coding change: c.4974T>C on transcript NM_001042492.3 (MANE Select); coding-DNA position 4974, T replaced by C.
Protein change: p.Phe1658=; no amino-acid change (phenylalanine 1658 retained).
Molecular consequence: synonymous variant.
Genome position (GRCh38, 1-based): chr17:31,325,958, T>C. VCF-style: chr17-31325958-T-C. GRCh37 (hg19) VCF-style: chr17-29652976-T-C.
Other names: c.4911T>C, p.Phe1637= (NM_000267.4).
Identifiers: ClinVar variation 4876159 (VCV004876159.1).

ClinVar aggregate classification (germline): Benign (1 of 4 stars; one submission).

Conditions:
Neurofibromatosis, type 1 (NF1). Also called: VON RECKLINGHAUSEN DISEASE; NEUROFIBROMATOSIS, TYPE I, SOMATIC; Peripheral type neurofibromatosis; Neurofibromatosis, type I. Identifiers: Orphanet 636, MedGen C0027831, MONDO:0018975, OMIM 162200. Disease mechanism: loss of function.

Submission:

Myriad Genetics, Inc.
Classification: Benign for Neurofibromatosis, type 1. Last evaluated: 2026-05-20. Review status: criteria provided, single submitter. Criteria: Myriad Autosomal Dominant, Autosomal Recessive and X-Linked Classification Criteria (2023). Collection method: clinical testing. Allele origin: unknown.
Comment: This variant is considered benign. This variant is a silent/synonymous amino acid change and it is not expected to impact splicing.